The following is an entry in ClinVar:

NM_133433.4(NIPBL):c.2035T>A (p.Ser679Thr)

Gene: NIPBL (NIPBL cohesin loading factor; plus strand). Cytogenetic location: 5p13.2.
Variant type: single nucleotide variant.
Coding change: c.2035T>A on transcript NM_133433.4 (MANE Select); coding-DNA position 2035, T replaced by A.
Protein change: p.Ser679Thr; replaces serine 679 with threonine.
Molecular consequence: missense variant.
Genome position (GRCh38, 1-based): chr5:36,985,215, T>A. VCF-style: chr5-36985215-T-A. GRCh37 (hg19) VCF-style: chr5-36985317-T-A.
Other names: c.2035T>A, p.Ser679Thr (NM_015384.5); short protein forms S679T.
Identifiers: ClinVar variation 1031110 (VCV001031110.1), dbSNP rs762097133, ClinGen allele CA3236114.

ClinVar aggregate classification (germline): Uncertain significance (1 of 4 stars; one submission).

Conditions:
Cornelia de Lange syndrome 1 (CDLS1). Also called: NIPBL-Related Cornelia de Lange Syndrome; TYPUS DEGENERATIVUS AMSTELODAMENSIS; Brachmann de Lange syndrome. Identifiers: Orphanet 199, MedGen C4551851, MONDO:0007387, OMIM 122470.

Allele frequency attached by ClinVar (database versions not stated): gnomAD exomes below 0.00001; ExAC 0.00001.
gnomAD v4.1: 2 of 1,613,698 alleles (0.00012%); highest among the groups gnomAD compares: Admixed American, 0.0017%; no homozygotes.

Submission:

Baylor Genetics
Classification: Uncertain significance for Cornelia de Lange syndrome 1. Last evaluated: 2019-09-06. Review status: criteria provided, single submitter. Criteria: ACMG Guidelines, 2015. Collection method: clinical testing. Allele origin: unknown. Affected: yes.
Comment: This variant was determined to be of uncertain significance according to ACMG Guidelines, 2015 [PMID:25741868].